The following is an entry in ClinVar:

ClinVar aggregate classification (germline): Uncertain significance (1 of 4 stars; one submission).

Submission:

CeGaT Center for Human Genetics Tuebingen
Classification: Uncertain significance. Last evaluated: 2023-04-01. Review status: criteria provided, single submitter. Criteria: CeGaT Center For Human Genetics Tuebingen Variant Classification Criteria Version 2. Collection method: clinical testing. Allele origin: germline. Affected: yes. Observed: 1 variant allele.
Comment: TCF4: PM2, PP2, BP4

NM_001243226.3(TCF4):c.187C>T (p.Pro63Ser)

Gene: TCF4 (transcription factor 4; minus strand). Cytogenetic location: 18q21.2.
Variant type: single nucleotide variant.
Coding change: c.187C>T on transcript NM_001243226.3; coding-DNA position 187, C replaced by T.
Protein change: p.Pro63Ser; replaces proline 63 with serine.
Molecular consequence: missense variant.
Genome position (GRCh38, 1-based): chr18:55,635,711, G>A on the plus strand (C>T on the coding strand, the complement: TCF4 is on the minus strand). VCF-style: chr18-55635711-G-A. GRCh37 (hg19) VCF-style: chr18-53302942-G-A.
Other names: short protein forms P63S.
Identifiers: ClinVar variation 2648739 (VCV002648739.22), dbSNP rs1568513897, ClinGen allele CA402705030.